The following is an entry in ClinVar:

ClinVar aggregate classification (germline): Pathogenic (0 of 4 stars; one submission).

Conditions:
Malignant tumor of breast. Also called: Malignant breast neoplasm; Cancer breast. Identifiers: MedGen C0006142, MONDO:0007254. Disease mechanism: loss of function.

Submission:

Department of Pathology and Laboratory Medicine, Sinai Health System
Classification: Pathogenic for Malignant tumor of breast. Review status: no assertion criteria provided. Collection method: clinical testing. Allele origin: unknown. Affected: yes. Study: The Canadian Open Genetics Repository (COGR).
Comment: The RAD51C c.966-?_1026+?del variant (chr:17 g.56809845_56809905del GRCh37) results in a deletion of exon 8, although the precise breakpoints of this deletion were not determined, nor were the effects of this variant on the resulting mRNA or protein product determined. The RAD51C p.Arg322Serfs*22 variant was identified in ClinVar (classified pathogenic by Invitae). The variant was not identified in the literature, dbSNP, Cosmic, MutDB, or LOVD 3.0 database, nor was it identified in the following control databases: the 1000 Genomes Project, the NHLBI GO Exome Sequencing Project, the Exome Aggregation Consortium (August 8th 2016), or the Genome Aggregation Database (Feb 27, 2017). The c.966-?_1026+?del variant is predicted to cause a frameshift, which is predicted to alter the protein's amino acid sequence beginning at codon 322 and lead to a premature stop codon 22 codons downstream. This alteration is then predicted to result in a truncated or absent protein and loss of function. Loss of function variants of the RAD51C gene are an established mechanism of disease in RAD51C-associated cancer and is the type of variant expected to cause the disorder. Further, a study using site-directed mutagenesis and deletion analysis to look at the importance of possible RAD51C functional domains found that the protein localizes to the nucleus and the C-terminal domain acts as a nuclear localization signal; in addition, a RAD51C-deficient cell line was found to have a significantly decreased homology directed repair, which could be partially restored by expression of wildtype RAD51C (French 2003). The putative nuclear localization signal is located downstream of the premature stop codon in this variant. In summary, based on the above information this variant meets our laboratoryâ€šÃ„Ã´s criteria to be classified as pathogenic.

NM_058216.3(RAD51C):c.966-2_1026+1del

Gene: RAD51C (RAD51 paralog C; plus strand). Cytogenetic location: 17q22.
Variant type: Deletion.
Coding change: c.966-2_1026+1del on transcript NM_058216.3 (MANE Select); the canonical splice acceptor site of the intron before coding-DNA position 966 through the canonical splice donor site of the intron after coding-DNA position 1026, 64 bases deleted.
Molecular consequence: splice acceptor variant, splice donor variant.
Genome position (GRCh38, 1-based): chr17:58,732,482-58,732,545, 64 bases deleted. GRCh37 (hg19): chr17:56,809,843-56,809,906.
Identifiers: ClinVar variation 1049265 (VCV001049265.2), dbSNP rs2144044038, ClinGen allele CA2499224768.